The following is an entry in ClinVar:

ClinVar aggregate classification (germline): Uncertain significance. Review status: criteria provided, multiple submitters, no conflicts (2 of 4 stars). 4 submissions from 4 submitters: Uncertain significance (2). 2 of the submissions do not count toward it. Last evaluated 2024-02-22.

Conditions:
Neuronal ceroid lipofuscinosis. Also called: Neuronal Ceroid Lipofuscinoses. Identifiers: Orphanet 216, Orphanet 79263, MedGen C0027877, MONDO:0016295. Disease mechanism: loss of function.
Neuronal ceroid lipofuscinosis 5 (CLN5). Also called: CEROID LIPOFUSCINOSIS, NEURONAL, 5, VARIABLE AGE AT ONSET; Neuronal ceroid lipofuscinosis Finnish variant; NEURONAL CEROID LIPOFUSCINOSIS, LATE INFANTILE, FINNISH VARIANT; CLN5-Related Neuronal Ceroid-Lipofuscinosis. Identifiers: Orphanet 168491, Orphanet 228360, MedGen C1850442, MONDO:0009745, OMIM 256731.

Allele frequency attached by ClinVar (database versions not stated): gnomAD exomes 0.00001; TOPMed 0.00001; gnomAD 0.00002; ESP Exome Variant Server 0.00008.

Submissions (4):

Blueprint Genetics
Classification: Uncertain significance. Last evaluated: 2024-02-22. Review status: criteria provided, single submitter. Criteria: ACMG Guidelines, 2015. Collection method: clinical testing. Allele origin: germline.

Labcorp Genetics (formerly Invitae), Labcorp
Classification: Uncertain significance for Neuronal ceroid lipofuscinosis. Last evaluated: 2021-11-30. Review status: criteria provided, single submitter. Criteria: Invitae Variant Classification Sherloc (09022015). Collection method: clinical testing. Allele origin: germline.
Comment: This sequence change falls in intron 2 of the CLN5 gene. It does not directly change the encoded amino acid sequence of the CLN5 protein. It affects a nucleotide within the consensus splice site. This variant is present in population databases (rs202146713, gnomAD 0.003%). This variant has been observed in individual(s) with neuronal ceroid lipofuscinoses (PMID: 21990111). ClinVar contains an entry for this variant (Variation ID: 56535). Variants that disrupt the consensus splice site are a relatively common cause of aberrant splicing (PMID: 17576681, 9536098). Algorithms developed to predict the effect of sequence changes on RNA splicing suggest that this variant may disrupt the consensus splice site. In summary, the available evidence is currently insufficient to determine the role of this variant in disease. Therefore, it has been classified as a Variant of Uncertain Significance.

Natera, Inc.
Classification: Uncertain significance for Neuronal ceroid lipofuscinosis. Last evaluated: 2021-02-24. Review status: no assertion criteria provided. Collection method: clinical testing. Allele origin: germline. Not counted in ClinVar's aggregate classification.

Juha Muilu Group; Institute for Molecular Medicine Finland (FIMM)
Classification: Likely pathogenic for Ceroid lipofuscinosis neuronal 5. Review status: no assertion criteria provided. Collection method: not provided. Allele origin: unknown. Not counted in ClinVar's aggregate classification.
Comment: FinDis database variant: This variant was not found or characterized by our laboratory, data were collected from public sources: see reference
ClinVar note: Converted during submission from probable-pathogenic to Likely pathogenic.

Literature cited by the submitters: PubMed 21990111 (cited by Labcorp Genetics (formerly Invitae), Labcorp); PubMed 17576681 (cited by Labcorp Genetics (formerly Invitae), Labcorp); PubMed 9536098 (cited by Labcorp Genetics (formerly Invitae), Labcorp).

NM_006493.4(CLN5):c.339+5G>C

Gene: CLN5 (CLN5 lysosomal BMP synthase; plus strand). Cytogenetic location: 13q22.3.
Variant type: single nucleotide variant.
Coding change: c.339+5G>C on transcript NM_006493.4 (MANE Select); 5 bases into the intron after coding-DNA position 339, G replaced by C.
Molecular consequence: intron variant.
Genome position (GRCh38, 1-based): chr13:76,995,233, G>C. VCF-style: chr13-76995233-G-C. GRCh37 (hg19) VCF-style: chr13-77569368-G-C.
Other names: c.339+5G>C (NM_001366624.2); c.486+5G>C (LRG_692t1).
Identifiers: ClinVar variation 56535 (VCV000056535.11), dbSNP rs202146713, ClinGen allele CA263890.